The following is an entry in ClinVar:

ClinVar aggregate classification (germline): Pathogenic. Review status: criteria provided, multiple submitters, no conflicts (2 of 4 stars). 2 submissions from 2 submitters: Pathogenic (2). Last evaluated 2024-10-09.

Conditions:
Polycystic kidney disease 4 (PKD4). Also called: POLYCYSTIC KIDNEY DISEASE 4 WITH OR WITHOUT POLYCYSTIC LIVER DISEASE; PKD3; Autosomal Recessive Polycystic Kidney Disease – PKHD1; POLYCYSTIC KIDNEY AND HEPATIC DISEASE 1; POLYCYSTIC KIDNEY DISEASE, INFANTILE, TYPE I. Identifiers: MedGen C4540575, MONDO:0033004, OMIM 263200.
Autosomal recessive polycystic kidney disease (ARPKD). Also called: AR polycystic kidney disease. Identifiers: Orphanet 731, Orphanet 8378, MedGen C0085548, MeSH D017044, MONDO:0009889.

Submissions (2):

Victorian Clinical Genetics Services, Murdoch Childrens Research Institute
Classification: Pathogenic for Polycystic kidney disease 4. Last evaluated: 2024-10-09. Review status: criteria provided, single submitter. Criteria: ACMG Guidelines, 2015. Collection method: clinical testing. Allele origin: germline. Inheritance: Autosomal recessive inheritance. Affected: yes.
Comment: Based on the classification scheme VCGS_Germline_v1.3.5, this variant is classified as Pathogenic. Following criteria are met: 0102 - Loss of function is a known mechanism of disease in this gene and is associated with polycystic kidney disease 4, with or without hepatic disease (MIM#263200). (I) 0106 - This gene is associated with autosomal recessive disease; however, there are emerging reports of heterozygous carriers of PKHD1 variants developing liver cysts and nephrocalcinosis (PMID: 21945273). (I) 0115 - Variants in this gene are known to have variable expressivity. Significant intrafamilial variability has been reported (PMID: 20301501). (I) 0201 - Variant is predicted to cause nonsense-mediated decay (NMD) and loss of protein (premature termination codon is located at least 54 nucleotides upstream of the final exon-exon junction). (SP) 0251 - This variant is heterozygous. (I) 0301 - Variant is absent from gnomAD (v2, v3 and v4). (SP) 0701 - Other NMD-predicted variants comparable to the one identified in this case have very strong previous evidence for pathogenicity. Many other loss of function variants have previously been classified as pathogenic in individuals with polycystic kidney disease (ClinVar, DECIPHER). (SP) 0803 - This variant has limited previous evidence of pathogenicity in an unrelated individual. This variant has been classified as pathogenic in ClinVar. (SP) 1102 - Strong phenotype match for this individual. (SP) 1201 - Heterozygous variant detected in trans with a second likely pathogenic heterozygous variant (NM_138694.3(PKHD1):c.9715G>A; p.(Gly3239Ser)) in a recessive disease. (I) Legend: (SP) - Supporting pathogenic, (I) - Information, (SB) - Supporting benign

Labcorp Genetics (formerly Invitae), Labcorp
Classification: Pathogenic for Autosomal recessive polycystic kidney disease. Last evaluated: 2023-08-31. Review status: criteria provided, single submitter. Criteria: Invitae Variant Classification Sherloc (09022015). Collection method: clinical testing. Allele origin: germline.
Comment: For these reasons, this variant has been classified as Pathogenic. ClinVar contains an entry for this variant (Variation ID: 1454836). This variant has not been reported in the literature in individuals affected with PKHD1-related conditions. This variant is not present in population databases (gnomAD no frequency). This sequence change creates a premature translational stop signal (p.Ser3823*) in the PKHD1 gene. It is expected to result in an absent or disrupted protein product. Loss-of-function variants in PKHD1 are known to be pathogenic (PMID: 19940839).

Literature cited by the submitters: PubMed 20301501 (cited by Victorian Clinical Genetics Services, Murdoch Childrens Research Institute); PubMed 21945273 (cited by Victorian Clinical Genetics Services, Murdoch Childrens Research Institute); PubMed 19940839 (cited by Labcorp Genetics (formerly Invitae), Labcorp).

NM_138694.4(PKHD1):c.11468C>G (p.Ser3823Ter)

Gene: PKHD1 (PKHD1 ciliary IPT domain containing fibrocystin/polyductin; minus strand). Cytogenetic location: 6p12.3.
Variant type: single nucleotide variant.
Coding change: c.11468C>G on transcript NM_138694.4 (MANE Select); coding-DNA position 11468, C replaced by G.
Protein change: p.Ser3823Ter; replaces serine 3823 with a stop codon.
Molecular consequence: nonsense.
Genome position (GRCh38, 1-based): chr6:51,638,887, G>C on the plus strand (C>G on the coding strand, the complement: PKHD1 is on the minus strand). VCF-style: chr6-51638887-G-C. GRCh37 (hg19) VCF-style: chr6-51503685-G-C.
Other names: short protein forms S3823*.
Identifiers: ClinVar variation 1454836 (VCV001454836.8), dbSNP rs2150329160, ClinGen allele CA364421693.